The following is an entry in ClinVar:

NM_005045.4(RELN):c.5006G>A (p.Ser1669Asn)

Gene: RELN (reelin; minus strand). Cytogenetic location: 7q22.1.
Variant type: single nucleotide variant.
Coding change: c.5006G>A on transcript NM_005045.4 (MANE Select); coding-DNA position 5006, G replaced by A.
Protein change: p.Ser1669Asn; replaces serine 1669 with asparagine.
Molecular consequence: missense variant.
Genome position (GRCh38, 1-based): chr7:103,565,482, C>T on the plus strand (G>A on the coding strand, the complement: RELN is on the minus strand). VCF-style: chr7-103565482-C-T. GRCh37 (hg19) VCF-style: chr7-103205929-C-T.
Other names: c.5006G>A, p.Ser1669Asn (NM_173054.3); short protein forms S1669N.
Identifiers: ClinVar variation 1998420 (VCV001998420.4), dbSNP rs373730762, ClinGen allele CA368746523.

ClinVar aggregate classification (germline): Uncertain significance (1 of 4 stars; one submission).

Conditions:
Norman-Roberts syndrome (LIS2). Also called: Lissencephaly 2 (Norman-Roberts type). Identifiers: Orphanet 89844, MedGen C0796089, MONDO:0009760, OMIM 257320.
Familial temporal lobe epilepsy 7. Identifiers: Orphanet 101046, MedGen C4225327, MONDO:0014639, OMIM 616436.

Submission:

Labcorp Genetics (formerly Invitae), Labcorp
Classification: Uncertain significance for Familial temporal lobe epilepsy 7; Norman-Roberts syndrome. Last evaluated: 2022-05-25. Review status: criteria provided, single submitter. Criteria: Invitae Variant Classification Sherloc (09022015). Collection method: clinical testing. Allele origin: germline.
Comment: Algorithms developed to predict the effect of missense changes on protein structure and function output the following: SIFT: "Tolerated"; PolyPhen-2: "Benign"; Align-GVGD: "Class C0". The asparagine amino acid residue is found in multiple mammalian species, which suggests that this missense change does not adversely affect protein function. In summary, the available evidence is currently insufficient to determine the role of this variant in disease. Therefore, it has been classified as a Variant of Uncertain Significance. This variant has not been reported in the literature in individuals affected with RELN-related conditions. This variant is not present in population databases (gnomAD no frequency). This sequence change replaces serine, which is neutral and polar, with asparagine, which is neutral and polar, at codon 1669 of the RELN protein (p.Ser1669Asn).